The following is an entry in ClinVar:

NM_000836.4(GRIN2D):c.216_227dup (p.Val77_Arg78insAlaAlaAlaVal)

Gene: GRIN2D (glutamate ionotropic receptor NMDA type subunit 2D; plus strand). Cytogenetic location: 19q13.33.
Variant type: Duplication.
Coding change: c.216_227dup on transcript NM_000836.4 (MANE Select); coding-DNA positions 216 to 227, 12 bases duplicated (CGTGGCGGCGGC).
Protein change: p.Val77_Arg78insAlaAlaAlaVal.
Molecular consequence: inframe insertion.
Genome position (GRCh38, 1-based): chr19:48,398,608-48,398,619, CGTGGCGGCGGC duplicated; duplicating any 12 consecutive bases within chr19:48,398,604-48,398,619 gives the same sequence; the c. name uses the placement nearest the transcript's 3' end. VCF-style (leftmost placement, unchanged base first): chr19-48398603-C-CCGGCCGTGGCGG. GRCh37 (hg19) VCF-style: chr19-48901860-C-CCGGCCGTGGCGG.
Identifiers: ClinVar variation 5018936 (VCV005018936.2).

ClinVar aggregate classification (germline): Uncertain significance (1 of 4 stars; one submission).

Conditions:
Developmental and epileptic encephalopathy, 46 (DEE46). Also called: Epileptic encephalopathy, early infantile, 46; GRIN2D-Related Developmental and Epileptic Encephalopathy. Identifiers: MedGen C4310687, MONDO:0014947, OMIM 617162.

Submission:

Juno Genomics, Hangzhou Juno Genomics, Inc
Classification: Uncertain significance for Developmental and epileptic encephalopathy, 46. Review status: criteria provided, single submitter. Criteria: ACMG Guidelines, 2015. Collection method: clinical testing. Allele origin: germline.
Comment: Absent from controls (or at extremely low frequency if recessive) in Genome Aggregation Database.;Protein length changes due to in-frame deletions/insertions in a non-repeat region or stop-loss variants.